The following is an entry in ClinVar:

NM_006231.4(POLE):c.3275+12_3275+37dup

Gene: POLE (DNA polymerase epsilon, catalytic subunit; minus strand). Cytogenetic location: 12q24.33.
Variant type: Duplication.
Coding change: c.3275+12_3275+37dup on transcript NM_006231.4 (MANE Select); bases 12 to 37 of the intron after coding-DNA position 3275, 26 bases duplicated (CCCCATCACGGAGAGGTGAGGGCTCC).
Molecular consequence: splice donor variant.
Genome position (GRCh38, 1-based): chr12:132,659,258-132,659,283, GGAGCCCTCACCTCTCCGTGATGGGG duplicated on the plus strand (CCCCATCACGGAGAGGTGAGGGCTCC on the coding strand, the reverse complement: POLE is on the minus strand); duplicating any 26 consecutive bases within chr12:132,659,258-132,659,304 gives the same sequence; the c. name uses the placement nearest the transcript's 3' end. VCF-style (leftmost placement, unchanged base first): chr12-132659257-A-AGGAGCCCTCACCTCTCCGTGATGGGG. GRCh37 (hg19) VCF-style: chr12-133235843-A-AGGAGCCCTCACCTCTCCGTGATGGGG.
Other names: c.3275+12_3275+37dupCCCCATCACGGAGAGGTGAGGGCTCC (NM_006231.2).
Identifiers: ClinVar variation 372049 (VCV000372049.5), dbSNP rs1057517627, ClinGen allele CA6893306.

ClinVar aggregate classification (germline): Benign/Likely benign. Review status: criteria provided, multiple submitters, no conflicts (2 of 4 stars). 3 submissions from 3 submitters: Benign (1); Likely benign (1). 1 of the submissions does not count toward it. Last evaluated 2024-10-20.

Conditions:
Colorectal cancer, susceptibility to, 12 (CRCS12). Also called: COLORECTAL CANCER, SUSCEPTIBILITY TO, ON CHROMOSOME 12q24. Identifiers: Orphanet 220460, MedGen C3554460, MONDO:0014038, OMIM 615083.

Submissions (3):

Labcorp Genetics (formerly Invitae), Labcorp
Classification: Benign. Last evaluated: 2024-10-20. Review status: criteria provided, single submitter. Criteria: Invitae Variant Classification Sherloc (09022015). Collection method: clinical testing. Allele origin: germline.

GeneDx
Classification: Likely benign. Last evaluated: 2017-09-25. Review status: criteria provided, single submitter. Criteria: GeneDx Variant Classification (06012015). Collection method: clinical testing. Allele origin: germline. Affected: yes.
Comment: This variant is considered likely benign or benign based on one or more of the following criteria: it is a conservative change, it occurs at a poorly conserved position in the protein, it is predicted to be benign by multiple in silico algorithms, and/or has population frequency not consistent with disease.

Counsyl
Classification: Likely benign for Colorectal cancer, susceptibility to, 12. Last evaluated: 2016-11-10. Review status: no assertion criteria provided. Collection method: clinical testing. Allele origin: unknown. Not counted in ClinVar's aggregate classification.